The following is an entry in ClinVar:

NM_004385.5(VCAN):c.5099T>C (p.Val1700Ala)

Genes: VCAN (versican; plus strand), VCAN-AS1 (VCAN antisense RNA 1; minus strand). Cytogenetic location: 5q14.3.
Variant type: single nucleotide variant.
Coding change: c.5099T>C on transcript NM_004385.5 (MANE Select); coding-DNA position 5099, T replaced by C.
Protein change: p.Val1700Ala; replaces valine 1700 with alanine.
Molecular consequence: missense variant. On other transcripts: intron variant (2).
Genome position (GRCh38, 1-based): chr5:83,538,102, T>C. VCF-style: chr5-83538102-T-C. GRCh37 (hg19) VCF-style: chr5-82833921-T-C.
Other names: c.2138T>C, p.Val713Ala (NM_001164097.2); c.4004-7435T>C (NM_001164098.2); c.1043-7435T>C (NM_001126336.3); short protein forms V713A, V1700A.
Identifiers: ClinVar variation 2182082 (VCV002182082.5), dbSNP rs758573911, ClinGen allele CA121809173.

ClinVar aggregate classification (germline): Uncertain significance. Review status: criteria provided, multiple submitters, no conflicts (2 of 4 stars). 2 submissions from 2 submitters: Uncertain significance (2). Last evaluated 2026-01-18.

Allele frequency attached by ClinVar (database versions not stated): TOPMed 0.00002; gnomAD exomes 0.00003.

Submissions (2):

Labcorp Genetics (formerly Invitae), Labcorp
Classification: Uncertain significance. Last evaluated: 2026-01-18. Review status: criteria provided, single submitter. Criteria: Invitae Variant Classification Sherloc (09022015). Collection method: clinical testing. Allele origin: germline.
Comment: This sequence change replaces valine, which is neutral and non-polar, with alanine, which is neutral and non-polar, at codon 1700 of the VCAN protein (p.Val1700Ala). This variant is present in population databases (rs758573911, gnomAD 0.002%). This variant has not been reported in the literature in individuals affected with VCAN-related conditions. ClinVar contains an entry for this variant (Variation ID: 2182082). An algorithm developed to predict the effect of missense changes on protein structure and function outputs the following: PolyPhen-2: "Benign". The alanine amino acid residue is found in multiple mammalian species, which suggests that this missense change does not adversely affect protein function. In summary, the available evidence is currently insufficient to determine the role of this variant in disease. Therefore, it has been classified as a Variant of Uncertain Significance.

Blueprint Genetics
Classification: Uncertain significance. Last evaluated: 2021-04-12. Review status: criteria provided, single submitter. Criteria: ACMG Guidelines, 2015. Collection method: clinical testing. Allele origin: germline.